The following is an entry in ClinVar:

ClinVar aggregate classification (germline): Conflicting classifications of pathogenicity. Review status: criteria provided, conflicting classifications (1 of 4 stars). 8 submissions from 8 submitters: Uncertain significance (4); Likely benign (3). 1 of the submissions does not count toward it. Last evaluated 2026-10-22.

Conditions:
Chédiak-Higashi syndrome (CHS). Also called: Chediak-Higashi Syndrome. Identifiers: Orphanet 167, MedGen C0007965, MONDO:0008963, OMIM 214500.
LYST-related disorder. Also called: LYST-related condition.

Allele frequency attached by ClinVar (database versions not stated): 1000 Genomes Project 30x 0.00016; 1000 Genomes Project 0.00020; gnomAD 0.00052 and 0.00055; gnomAD exomes 0.00061 and 0.00070; TOPMed 0.00065; ExAC 0.00075; ESP Exome Variant Server 0.00085.
gnomAD v4.1: 1,103 of 1,614,114 alleles (0.068%); highest among the groups gnomAD compares: Admixed American, 0.14%; no homozygotes.

Submissions (8):

GeneDx
Classification: Uncertain significance. Last evaluated: 2026-10-22. Review status: criteria provided, single submitter. Criteria: GeneDx Variant Classification Process June 2021. Collection method: clinical testing. Allele origin: germline.
Comment: Reported in a proband with a fatal case of H1N1 influenza and in at least one individual from a cohort of patients with primary lateral sclerosis, but familial segregation information and further clinical information were not provided (PMID: 31325016, 26597256); In silico analysis suggests that this missense variant does not alter protein structure/function, but may impact gene splicing; in the absence of RNA/functional studies, the actual effect of this sequence change is unknown; This variant is associated with the following publications: (PMID: 26597256, 31325016, Cheung2021[preprint])

Labcorp Genetics (formerly Invitae), Labcorp
Classification: Likely benign for Chédiak-Higashi syndrome. Last evaluated: 2026-01-31. Review status: criteria provided, single submitter. Criteria: Invitae Variant Classification Sherloc (09022015). Collection method: clinical testing. Allele origin: germline.

Mayo Clinic Laboratories, Mayo Clinic
Classification: Uncertain significance. Last evaluated: 2025-10-09. Review status: criteria provided, single submitter. Criteria: ACMG Guidelines, 2015. Collection method: clinical testing. Allele origin: germline. Observed: 5 variant alleles.
Comment: BP4_moderate, PM1_supporting

Blueprint Genetics
Classification: Uncertain significance. Last evaluated: 2024-11-20. Review status: criteria provided, single submitter. Criteria: ACMG Guidelines, 2015. Collection method: clinical testing. Allele origin: germline.

CeGaT Center for Human Genetics Tuebingen
Classification: Likely benign. Last evaluated: 2024-02-01. Review status: criteria provided, single submitter. Criteria: CeGaT Center For Human Genetics Tuebingen Variant Classification Criteria Version 2. Collection method: clinical testing. Allele origin: germline. Affected: yes. Observed: 1 variant allele.
Comment: LYST: BP4

Women's Health and Genetics/Laboratory Corporation of America, LabCorp
Classification: Likely benign. Last evaluated: 2023-10-03. Review status: criteria provided, single submitter. Criteria: LabCorp Variant Classification Summary - May 2015. Collection method: clinical testing. Allele origin: germline.
Comment: Variant summary: LYST c.11086G>A (p.Val3696Ile) results in a conservative amino acid change in the encoded protein sequence. Four of five in-silico tools predict a benign effect of the variant on protein function. The variant allele was found at a frequency of 0.00061 in 251038 control chromosomes, predominantly at a frequency of 0.0017 within the Latino subpopulation in the gnomAD database. The observed variant frequency within Latino control individuals in the gnomAD database is approximately 1.52 fold of the estimated maximal expected allele frequency for a pathogenic variant in LYST causing Chediak-Higashi Syndrome phenotype (0.0011), suggesting that the variant is a benign polymorphism found primarily in populations of Latino origin. To our knowledge, no occurrence of c.11086G>A in individuals affected with Chediak-Higashi Syndrome and no experimental evidence demonstrating its impact on protein function have been reported. Three submitters have cited clinical-significance assessments for this variant to ClinVar after 2014; two submitters classified the variant as a avriant of uncertain significance, while one submitter classified it as likely benign. Based on the evidence outlined above, the variant was classified as likely benign.

Revvity Omics, Revvity
Classification: Uncertain significance for Chédiak-Higashi syndrome. Last evaluated: 2019-05-06. Review status: criteria provided, single submitter. Criteria: ACMG Guidelines, 2015. Collection method: clinical testing. Allele origin: germline.

PreventionGenetics, part of Exact Sciences
Classification: Likely benign for LYST-related condition. Last evaluated: 2023-11-07. Review status: no assertion criteria provided. Collection method: clinical testing. Allele origin: germline. Not counted in ClinVar's aggregate classification.
Comment: This variant is classified as likely benign based on ACMG/AMP sequence variant interpretation guidelines (Richards et al. 2015 PMID: 25741868, with internal and published modifications).

Literature cited by the submitters: PubMed 26597256 (cited by Mayo Clinic Laboratories, Mayo Clinic).

NM_000081.4(LYST):c.11086G>A (p.Val3696Ile)

Gene: LYST (lysosomal trafficking regulator; minus strand). Cytogenetic location: 1q42.3.
Variant type: single nucleotide variant.
Coding change: c.11086G>A on transcript NM_000081.4 (MANE Select); coding-DNA position 11086, G replaced by A.
Protein change: p.Val3696Ile; replaces valine 3696 with isoleucine.
Molecular consequence: missense variant.
Genome position (GRCh38, 1-based): chr1:235,664,574, C>T on the plus strand (G>A on the coding strand, the complement: LYST is on the minus strand). VCF-style: chr1-235664574-C-T. GRCh37 (hg19) VCF-style: chr1-235827874-C-T.
Other names: p.Val3696Ile; c.11086G>A, p.Val3696Ile (NM_001301365.1); short protein forms V3696I.
Identifiers: ClinVar variation 525196 (VCV000525196.44), dbSNP rs147221131, ClinGen allele CA1465214.